The following is an entry in ClinVar:

NM_000051.4(ATM):c.9019G>A (p.Glu3007Lys)

Genes: ATM (ATM serine/threonine kinase; plus strand), C11orf65 (chromosome 11 open reading frame 65; minus strand). Cytogenetic location: 11q22.3.
Variant type: single nucleotide variant.
Coding change: c.9019G>A on transcript NM_000051.4 (MANE Select); coding-DNA position 9019, G replaced by A.
Protein change: p.Glu3007Lys; replaces glutamic acid 3007 with lysine.
Molecular consequence: missense variant. On other transcripts: intron variant (2).
Genome position (GRCh38, 1-based): chr11:108,365,356, G>A. VCF-style: chr11-108365356-G-A. GRCh37 (hg19) VCF-style: chr11-108236083-G-A.
Other names: c.9019G>A, p.Glu3007Lys (NM_001351834.2); c.640+20564C>T (NM_001330368.2); c.694+20564C>T (NM_001351110.2); short protein forms E3007K.
Identifiers: ClinVar variation 3801342 (VCV003801342.1).

ClinVar aggregate classification (germline): Uncertain significance (1 of 4 stars; one submission).

Conditions:
Hereditary cancer-predisposing syndrome. Also called: Neoplastic Syndromes, Hereditary; Tumor predisposition; Hereditary Cancer Syndrome; Hereditary neoplastic syndrome. Identifiers: Orphanet 140162, MedGen C0027672, MeSH D009386, MONDO:0015356.

gnomAD v4.1: 1 of 1,614,144 alleles (0.000062%); no homozygotes.

Submission:

Ambry Genetics
Classification: Uncertain significance for Hereditary cancer-predisposing syndrome. Last evaluated: 2024-12-16. Review status: criteria provided, single submitter. Criteria: Ambry Variant Classification Scheme 2023. Collection method: clinical testing. Allele origin: germline.
Comment: The p.E3007K variant (also known as c.9019G>A), located in coding exon 62 of the ATM gene, results from a G to A substitution at nucleotide position 9019. The glutamic acid at codon 3007 is replaced by lysine, an amino acid with similar properties. This amino acid position is highly conserved in available vertebrate species. In addition, the in silico prediction for this alteration is inconclusive. Based on the available evidence, the clinical significance of this variant remains unclear.